The following is an entry in ClinVar:

NM_000370.3(TTPA):c.686A>G (p.Tyr229Cys)

Gene: TTPA (alpha tocopherol transfer protein; minus strand). Cytogenetic location: 8q12.3.
Variant type: single nucleotide variant.
Coding change: c.686A>G on transcript NM_000370.3 (MANE Select); coding-DNA position 686, A replaced by G.
Protein change: p.Tyr229Cys; replaces tyrosine 229 with cysteine.
Molecular consequence: missense variant.
Genome position (GRCh38, 1-based): chr8:63,061,403, T>C on the plus strand (A>G on the coding strand, the complement: TTPA is on the minus strand). VCF-style: chr8-63061403-T-C. GRCh37 (hg19) VCF-style: chr8-63973962-T-C.
Other names: short protein forms Y229C.
Identifiers: ClinVar variation 1002292 (VCV001002292.9), dbSNP rs1805303983, ClinGen allele CA371331954.

ClinVar aggregate classification (germline): Uncertain significance (1 of 4 stars; one submission).

Submission:

Labcorp Genetics (formerly Invitae), Labcorp
Classification: Uncertain significance. Last evaluated: 2020-10-24. Review status: criteria provided, single submitter. Criteria: Invitae Variant Classification Sherloc (09022015). Collection method: clinical testing. Allele origin: germline.
Comment: In summary, the available evidence is currently insufficient to determine the role of this variant in disease. Therefore, it has been classified as a Variant of Uncertain Significance. Algorithms developed to predict the effect of missense changes on protein structure and function are either unavailable or do not agree on the potential impact of this missense change (SIFT: "Deleterious"; PolyPhen-2: "Probably Damaging"; Align-GVGD: "Class C0"). This variant has not been reported in the literature in individuals with TTPA-related conditions. This variant is not present in population databases (ExAC no frequency). This sequence change replaces tyrosine with cysteine at codon 229 of the TTPA protein (p.Tyr229Cys). The tyrosine residue is highly conserved and there is a large physicochemical difference between tyrosine and cysteine.